The following is an entry in ClinVar:

NM_004380.3(CREBBP):c.2788C>T (p.Pro930Ser)

Gene: CREBBP (CREB binding lysine acetyltransferase; minus strand). Cytogenetic location: 16p13.3.
Variant type: single nucleotide variant.
Coding change: c.2788C>T on transcript NM_004380.3 (MANE Select); coding-DNA position 2788, C replaced by T.
Protein change: p.Pro930Ser; replaces proline 930 with serine.
Molecular consequence: missense variant.
Genome position (GRCh38, 1-based): chr16:3,770,662, G>A on the plus strand (C>T on the coding strand, the complement: CREBBP is on the minus strand). VCF-style: chr16-3770662-G-A. GRCh37 (hg19) VCF-style: chr16-3820663-G-A.
Other names: c.2674C>T, p.Pro892Ser (NM_001079846.1); c.2788C>T (NM_004380.2); short protein forms P892S, P930S.
Identifiers: ClinVar variation 2741911 (VCV002741911.6), dbSNP rs1464234725, ClinGen allele CA394550767.
Genomic context (GRCh38, chr16:3,770,662, plus strand): 5'-TCGGCTGTTGCTGCGATGACTGAGGGGTAGCCACAGACGGGGGCTGAACTGGGGTTTGAG[G>A]CTGCGGGGTCACCTGGGCCTGGGCTGCTGCCTGGACTGTAGGGGTGCTCTGGGTTTGGGT-3'
Protein context (NP_004371.2, residues 920-940): AAAQAQVTPQ[Pro930Ser]QTPVQPPSVA

ClinVar aggregate classification (germline): Conflicting classifications of pathogenicity. Review status: criteria provided, conflicting classifications (1 of 4 stars). 4 submissions from 4 submitters: Uncertain significance (2); Likely benign (1). 1 of the submissions does not count toward it. Last evaluated 2024-07-09.

Conditions:
Rubinstein-Taybi syndrome (RSTS). Identifiers: Orphanet 783, MedGen C0035934, MONDO:0019188.
CREBBP-related disorder. Also called: CREBBP-related disorders; CREBBP-related condition.
Rubinstein-Taybi syndrome due to CREBBP mutations (RSTS1). Also called: RUBINSTEIN-TAYBI SYNDROME 1, INCOMPLETE; BROAD THUMB-HALLUX SYNDROME; BROAD THUMBS AND GREAT TOES, CHARACTERISTIC FACIES, AND IMPAIRED INTELLECTUAL DEVELOPMENT; RUBINSTEIN SYNDROME; Rubinstein-Taybi syndrome 1; CREBBP-Related Rubinstein-Taybi Syndrome. Identifiers: Orphanet 353277, Orphanet 783, MedGen C4551859, MONDO:0008393, OMIM 180849.
Menke-Hennekam syndrome 1 (MKHK1). Identifiers: MedGen C5193034, MONDO:0020763, OMIM 618332.
Inborn genetic diseases. Identifiers: MedGen C0950123, MeSH D030342.

Allele frequency attached by ClinVar (database versions not stated): gnomAD exomes below 0.00001; TOPMed below 0.00001.
gnomAD v4.1: 2 of 1,614,016 alleles (0.00012%); highest among the groups gnomAD compares: Admixed American, 0.0017%; no homozygotes.

Submissions (4):

Ambry Genetics
Classification: Uncertain significance for Inborn genetic diseases. Last evaluated: 2024-07-09. Review status: criteria provided, single submitter. Criteria: Ambry Variant Classification Scheme 2023. Collection method: clinical testing. Allele origin: germline.

Fulgent Genetics
Classification: Uncertain significance for Rubinstein-Taybi syndrome due to CREBBP mutations; Menke-Hennekam syndrome 1. Last evaluated: 2024-04-04. Review status: criteria provided, single submitter. Criteria: ACMG Guidelines, 2015. Collection method: clinical testing. Allele origin: germline.

Labcorp Genetics (formerly Invitae), Labcorp
Classification: Likely benign for Rubinstein-Taybi syndrome. Last evaluated: 2024-01-30. Review status: criteria provided, single submitter. Criteria: Invitae Variant Classification Sherloc (09022015). Collection method: clinical testing. Allele origin: germline.

PreventionGenetics, part of Exact Sciences
Classification: Uncertain significance for CREBBP-related condition. Last evaluated: 2024-05-27. Review status: no assertion criteria provided. Collection method: clinical testing. Allele origin: germline. Not counted in ClinVar's aggregate classification.
Comment: The CREBBP c.2788C>T variant is predicted to result in the amino acid substitution p.Pro930Ser. To our knowledge, this variant has not been reported in the literature. This variant is reported in 0.0029% of alleles in individuals of Latino descent in gnomAD. At this time, the clinical significance of this variant is uncertain due to the absence of conclusive functional and genetic evidence.